The following is an entry in ClinVar:

NM_031220.4(PITPNM3):c.863C>G (p.Ala288Gly)

Gene: PITPNM3 (PITPNM family member 3; minus strand). Cytogenetic location: 17p13.2.
Variant type: single nucleotide variant.
Coding change: c.863C>G on transcript NM_031220.4 (MANE Select); coding-DNA position 863, C replaced by G.
Protein change: p.Ala288Gly; replaces alanine 288 with glycine.
Molecular consequence: missense variant.
Genome position (GRCh38, 1-based): chr17:6,478,012, G>C on the plus strand (C>G on the coding strand, the complement: PITPNM3 is on the minus strand). VCF-style: chr17-6478012-G-C. GRCh37 (hg19) VCF-style: chr17-6381332-G-C.
Other names: c.755C>G, p.Ala252Gly (NM_001165966.2); short protein forms A252G, A288G.
Identifiers: ClinVar variation 1053491 (VCV001053491.9), dbSNP rs763285088, ClinGen allele CA397407954.

ClinVar aggregate classification (germline): Uncertain significance (1 of 4 stars; one submission).

Allele frequency attached by ClinVar (database versions not stated): gnomAD 0.00001.
gnomAD v4.1: 4 of 1,613,394 alleles (0.00025%); highest among the groups gnomAD compares: Non-Finnish European, 0.00034%; no homozygotes.

Submission:

Labcorp Genetics (formerly Invitae), Labcorp
Classification: Uncertain significance. Last evaluated: 2021-01-14. Review status: criteria provided, single submitter. Criteria: Invitae Variant Classification Sherloc (09022015). Collection method: clinical testing. Allele origin: germline.
Comment: This sequence change replaces alanine with glycine at codon 288 of the PITPNM3 protein (p.Ala288Gly). The alanine residue is weakly conserved and there is a small physicochemical difference between alanine and glycine. This variant is not present in population databases (ExAC no frequency). This variant has not been reported in the literature in individuals with PITPNM3-related conditions. Algorithms developed to predict the effect of missense changes on protein structure and function output the following: SIFT: "Tolerated"; PolyPhen-2: "Benign"; Align-GVGD: "Class C0". The glycine amino acid residue is found in multiple mammalian species, suggesting that this missense change does not adversely affect protein function. These predictions have not been confirmed by published functional studies and their clinical significance is uncertain. In summary, the available evidence is currently insufficient to determine the role of this variant in disease. Therefore, it has been classified as a Variant of Uncertain Significance.